The following is an entry in ClinVar:

NM_001013838.3(CARMIL2):c.2350A>G (p.Ser784Gly)

Gene: CARMIL2 (capping protein regulator and myosin 1 linker 2; plus strand). Cytogenetic location: 16q22.1.
Variant type: single nucleotide variant.
Coding change: c.2350A>G on transcript NM_001013838.3 (MANE Select); coding-DNA position 2350, A replaced by G.
Protein change: p.Ser784Gly; replaces serine 784 with glycine.
Molecular consequence: missense variant.
Genome position (GRCh38, 1-based): chr16:67,651,437, A>G. VCF-style: chr16-67651437-A-G. GRCh37 (hg19) VCF-style: chr16-67685340-A-G.
Other names: c.2242A>G, p.Ser748Gly (NM_001317026.3); short protein forms S784G, S748G.
Identifiers: ClinVar variation 1993166 (VCV001993166.4), dbSNP rs2543561456, ClinGen allele CA396340839.

ClinVar aggregate classification (germline): Uncertain significance (1 of 4 stars; one submission).

Allele frequency attached by ClinVar (database versions not stated): gnomAD exomes below 0.00001.
gnomAD v4.1: 2 of 1,596,484 alleles (0.00013%); highest among the groups gnomAD compares: Non-Finnish European, 0.00017%; no homozygotes.

Submission:

Labcorp Genetics (formerly Invitae), Labcorp
Classification: Uncertain significance. Last evaluated: 2022-05-11. Review status: criteria provided, single submitter. Criteria: Invitae Variant Classification Sherloc (09022015). Collection method: clinical testing. Allele origin: germline.
Comment: In summary, the available evidence is currently insufficient to determine the role of this variant in disease. Therefore, it has been classified as a Variant of Uncertain Significance. Algorithms developed to predict the effect of missense changes on protein structure and function output the following: SIFT: "Deleterious"; PolyPhen-2: "Benign"; Align-GVGD: "Class C0". The glycine amino acid residue is found in multiple mammalian species, which suggests that this missense change does not adversely affect protein function. This variant has not been reported in the literature in individuals affected with CARMIL2-related conditions. This variant is not present in population databases (gnomAD no frequency). This sequence change replaces serine, which is neutral and polar, with glycine, which is neutral and non-polar, at codon 784 of the CARMIL2 protein (p.Ser784Gly).